The following is an entry in ClinVar:

NM_000138.5(FBN1):c.2876del (p.Phe959fs)

Gene: FBN1 (fibrillin 1; minus strand). Cytogenetic location: 15q21.1.
Variant type: Deletion.
Coding change: c.2876del on transcript NM_000138.5 (MANE Select); coding-DNA position 2876, one base deleted (T; older notation c.2876delT).
Protein change: p.Phe959fs; shifts the reading frame from phenylalanine 959.
Molecular consequence: frameshift variant.
Genome position (GRCh38, 1-based): chr15:48,490,057, A deleted on the plus strand (T on the coding strand, the reverse complement: FBN1 is on the minus strand); the first of 2 consecutive A bases (chr15:48,490,057-48,490,058); deleting either gives the same sequence. VCF-style (leftmost placement, unchanged base first): chr15-48490056-GA-G. GRCh37 (hg19) VCF-style: chr15-48782253-GA-G.
Other names: short protein forms F959fs.
Identifiers: ClinVar variation 965409 (VCV000965409.7), dbSNP rs2043545549, ClinGen allele CA1139663908.

ClinVar aggregate classification (germline): Pathogenic (1 of 4 stars; one submission).

Conditions:
Marfan syndrome (MFS). Also called: FBN1-Related Marfan Syndrome; MARFAN SYNDROME, TYPE I; Marfan syndrome type 1; Marfan's syndrome; Marfan syndrome, classic. Identifiers: Orphanet 284963, Orphanet 558, MedGen C0024796, MONDO:0007947, OMIM 154700.
Familial thoracic aortic aneurysm and aortic dissection (TAAD). Also called: Thoracic aortic aneurysms and dissections. Identifiers: Orphanet 91387, MedGen C4707243, MONDO:0019625.

Submission:

Labcorp Genetics (formerly Invitae), Labcorp
Classification: Pathogenic for Marfan syndrome; Familial thoracic aortic aneurysm and aortic dissection. Last evaluated: 2024-03-25. Review status: criteria provided, single submitter. Criteria: Invitae Variant Classification Sherloc (09022015). Collection method: clinical testing. Allele origin: germline.
Comment: This sequence change creates a premature translational stop signal (p.Phe959Serfs*2) in the FBN1 gene. It is expected to result in an absent or disrupted protein product. Loss-of-function variants in FBN1 are known to be pathogenic (PMID: 17657824, 19293843). This variant is not present in population databases (gnomAD no frequency). This variant has not been reported in the literature in individuals affected with FBN1-related conditions. ClinVar contains an entry for this variant (Variation ID: 965409). For these reasons, this variant has been classified as Pathogenic.

Literature cited by the submitters: PubMed 17657824; PubMed 19293843.